The following is an entry in ClinVar:

ClinVar aggregate classification (germline): Likely benign (0 of 4 stars; one submission).

Conditions:
ACTL6B-related disorder. Also called: ACTL6B-related condition.

Allele frequency attached by ClinVar (database versions not stated): gnomAD exomes below 0.00001; TOPMed 0.00001.
gnomAD v4.1: 3 of 1,614,008 alleles (0.00019%); highest among the groups gnomAD compares: African/African-American, 0.004%; no homozygotes.

Submission:

PreventionGenetics, part of Exact Sciences
Classification: Likely benign for ACTL6B-related condition. Last evaluated: 2019-07-31. Review status: no assertion criteria provided. Collection method: clinical testing. Allele origin: germline.
Comment: This variant is classified as likely benign based on ACMG/AMP sequence variant interpretation guidelines (Richards et al. 2015 PMID: 25741868, with internal and published modifications).

NM_016188.5(ACTL6B):c.1242G>A (p.Glu414=)

Gene: ACTL6B (actin like 6B; minus strand). Cytogenetic location: 7q22.1.
Variant type: single nucleotide variant.
Coding change: c.1242G>A on transcript NM_016188.5 (MANE Select); coding-DNA position 1242, G replaced by A.
Protein change: p.Glu414=; no amino-acid change (glutamic acid 414 retained).
Molecular consequence: synonymous variant. On other transcripts: non-coding transcript variant (1).
Genome position (GRCh38, 1-based): chr7:100,643,285, C>T on the plus strand (G>A on the coding strand, the complement: ACTL6B is on the minus strand). VCF-style: chr7-100643285-C-T. GRCh37 (hg19) VCF-style: chr7-100240908-C-T.
Identifiers: ClinVar variation 3034696 (VCV003034696.2), dbSNP rs1803756395, ClinGen allele CA456752358.